The following is an entry in ClinVar:

ClinVar aggregate classification (germline): Uncertain significance (1 of 4 stars; one submission).

Conditions:
Dilated cardiomyopathy 1G (CMD1G). Identifiers: Orphanet 154, MedGen C1858763, MONDO:0011400, OMIM 604145.
Autosomal recessive limb-girdle muscular dystrophy type 2J (LGMDR10). Also called: Limb-girdle muscular dystrophy, type 2J; MUSCULAR DYSTROPHY, LIMB-GIRDLE, AUTOSOMAL RECESSIVE 10. Identifiers: Orphanet 140922, MedGen C1837342, MONDO:0012127, OMIM 608807.

Submission:

Labcorp Genetics (formerly Invitae), Labcorp
Classification: Uncertain significance for Dilated cardiomyopathy 1G; Autosomal recessive limb-girdle muscular dystrophy type 2J. Last evaluated: 2024-06-18. Review status: criteria provided, single submitter. Criteria: Invitae Variant Classification Sherloc (09022015). Collection method: clinical testing. Allele origin: germline.
Comment: This sequence change replaces proline, which is neutral and non-polar, with threonine, which is neutral and polar, at codon 34642 of the TTN protein (p.Pro34642Thr). This variant is not present in population databases (gnomAD no frequency). This variant has not been reported in the literature in individuals affected with TTN-related conditions. Experimental studies and prediction algorithms are not available or were not evaluated, and the functional significance of this variant is currently unknown. This variant is located in the M band of TTN (PMID: 25589632). Non-truncating variants in this region may be relevant for neuromuscular disorders, but have not been definitively shown to cause cardiomyopathy (PMID: 23975875). In summary, the available evidence is currently insufficient to determine the role of this variant in disease. Therefore, it has been classified as a Variant of Uncertain Significance.

Literature cited by the submitters: PubMed 25589632; PubMed 23975875.

NM_001267550.2(TTN):c.103924C>A (p.Pro34642Thr)

Genes: TTN-AS1 (TTN antisense RNA 1; plus strand), TTN (titin; minus strand). Cytogenetic location: 2q31.2.
Variant type: single nucleotide variant.
Coding change: c.103924C>A on transcript NM_001267550.2 (MANE Select); coding-DNA position 103924, C replaced by A.
Protein change: p.Pro34642Thr; replaces proline 34642 with threonine.
Molecular consequence: missense variant.
Genome position (GRCh38, 1-based): chr2:178,532,691, G>T on the plus strand (C>A on the coding strand, the complement: TTN is on the minus strand). VCF-style: chr2-178532691-G-T. GRCh37 (hg19) VCF-style: chr2-179397418-G-T.
Other names: c.99001C>A, p.Pro33001Thr (NM_001256850.1); c.76729C>A, p.Pro25577Thr (NM_003319.4); c.96220C>A, p.Pro32074Thr (NM_133378.4); c.77104C>A, p.Pro25702Thr (NM_133432.3); c.77305C>A, p.Pro25769Thr (NM_133437.4); short protein forms P25577T, P25702T, P25769T, P32074T, P33001T, P34642T.
Identifiers: ClinVar variation 3756865 (VCV003756865.2).